The following is an entry in ClinVar:

ClinVar aggregate classification (germline): Pathogenic (1 of 4 stars; one submission).

Submission:

CeGaT Center for Human Genetics Tuebingen
Classification: Pathogenic. Last evaluated: 2026-01-01. Review status: criteria provided, single submitter. Criteria: CeGaT Center For Human Genetics Tuebingen Variant Classification Criteria Version 2. Collection method: clinical testing. Allele origin: germline. Affected: yes. Observed: 1 variant allele.
Comment: POU3F4: PVS1, PM2

NM_000307.5(POU3F4):c.598C>T (p.Gln200Ter)

Gene: POU3F4 (POU class 3 homeobox 4; plus strand). Cytogenetic location: Xq21.1.
Variant type: single nucleotide variant.
Coding change: c.598C>T on transcript NM_000307.5 (MANE Select); coding-DNA position 598, C replaced by T.
Protein change: p.Gln200Ter; replaces glutamine 200 with a stop codon.
Molecular consequence: nonsense.
Genome position (GRCh38, 1-based): chrX:83,508,922, C>T. VCF-style: chrX-83508922-C-T. GRCh37 (hg19) VCF-style: chrX-82763930-C-T.
Other names: short protein forms Q200*.
Identifiers: ClinVar variation 4823835 (VCV004823835.4).